The following is an entry in ClinVar:

ClinVar aggregate classification (germline): Uncertain significance (1 of 4 stars; one submission).

Conditions:
Inborn genetic diseases. Identifiers: MedGen C0950123, MeSH D030342.

gnomAD v4.1: 2 of 1,613,636 alleles (0.00012%); highest among the groups gnomAD compares: Non-Finnish European, 0.00017%; no homozygotes.

Submission:

Ambry Genetics
Classification: Uncertain significance for Inborn genetic diseases. Last evaluated: 2024-11-23. Review status: criteria provided, single submitter. Criteria: Ambry Variant Classification Scheme 2023. Collection method: clinical testing. Allele origin: germline.
Comment: The p.Q1212R variant (also known as c.3635A>G), located in coding exon 1 of the SAMD9 gene, results from an A to G substitution at nucleotide position 3635. The glutamine at codon 1212 is replaced by arginine, an amino acid with highly similar properties. This amino acid position is conserved. In addition, this alteration is predicted to be tolerated by in silico analysis. Based on the available evidence, the clinical significance of this variant remains unclear.

NM_017654.4(SAMD9):c.3635A>G (p.Gln1212Arg)

Gene: SAMD9 (sterile alpha motif domain containing 9; minus strand). Cytogenetic location: 7q21.2.
Variant type: single nucleotide variant.
Coding change: c.3635A>G on transcript NM_017654.4 (MANE Select); coding-DNA position 3635, A replaced by G.
Protein change: p.Gln1212Arg; replaces glutamine 1212 with arginine.
Molecular consequence: missense variant.
Genome position (GRCh38, 1-based): chr7:93,102,463, T>C on the plus strand (A>G on the coding strand, the complement: SAMD9 is on the minus strand). VCF-style: chr7-93102463-T-C. GRCh37 (hg19) VCF-style: chr7-92731776-T-C.
Other names: c.3635A>G, p.Gln1212Arg (NM_001193307.2); short protein forms Q1212R.
Identifiers: ClinVar variation 3437020 (VCV003437020.1).